The following is an entry in ClinVar:

NM_000057.4(BLM):c.2186_2187del (p.Ser729fs)

Gene: BLM (BLM RecQ like helicase; plus strand). Cytogenetic location: 15q26.1.
Variant type: Deletion.
Coding change: c.2186_2187del on transcript NM_000057.4 (MANE Select); coding-DNA positions 2186 to 2187, 2 bases deleted (CC; older notation c.2186_2187delCC).
Protein change: p.Ser729fs; shifts the reading frame from serine 729.
Molecular consequence: frameshift variant.
Genome position (GRCh38, 1-based): chr15:90,765,407-90,765,408, CC deleted. VCF-style (leftmost placement, unchanged base first): chr15-90765406-TCC-T. GRCh37 (hg19) VCF-style: chr15-91308636-TCC-T.
Other names: c.2186_2187del, p.Ser729fs (NM_001287246.2, NM_001287247.2); c.1061_1062del, p.Ser354fs (NM_001287248.2); short protein forms S729fs, S354fs.
Identifiers: ClinVar variation 2860168 (VCV002860168.3), dbSNP rs2505441930, ClinGen allele CA2739269765.

ClinVar aggregate classification (germline): Pathogenic (1 of 4 stars; one submission).

Conditions:
Bloom syndrome (BLM). Also called: Bloom-Torre-Machacek syndrome. Identifiers: Orphanet 125, MedGen C0005859, MONDO:0008876, OMIM 210900.

Submission:

Labcorp Genetics (formerly Invitae), Labcorp
Classification: Pathogenic for Bloom syndrome. Last evaluated: 2023-04-28. Review status: criteria provided, single submitter. Criteria: Invitae Variant Classification Sherloc (09022015). Collection method: clinical testing. Allele origin: germline.
Comment: For these reasons, this variant has been classified as Pathogenic. This variant has not been reported in the literature in individuals affected with BLM-related conditions. This variant is not present in population databases (gnomAD no frequency). This sequence change creates a premature translational stop signal (p.Ser729Phefs*11) in the BLM gene. It is expected to result in an absent or disrupted protein product. Loss-of-function variants in BLM are known to be pathogenic (PMID: 17407155).

Literature cited by the submitters: PubMed 17407155.